The following is an entry in ClinVar:

ClinVar aggregate classification (germline): Uncertain significance (1 of 4 stars; one submission).

Conditions:
Familial cancer of breast. Also called: hereditary breast carcinoma; BREAST CANCER, FAMILIAL; Hereditary breast cancer. Identifiers: Orphanet 227535, MedGen C0346153, MONDO:0016419, OMIM 114480. Disease mechanism: loss of function.

Submission:

Labcorp Genetics (formerly Invitae), Labcorp
Classification: Uncertain significance for Familial cancer of breast. Last evaluated: 2022-05-27. Review status: criteria provided, single submitter. Criteria: Invitae Variant Classification Sherloc (09022015). Collection method: clinical testing. Allele origin: germline.
Comment: In summary, the available evidence is currently insufficient to determine the role of this variant in disease. Therefore, it has been classified as a Variant of Uncertain Significance. Algorithms developed to predict the effect of missense changes on protein structure and function are either unavailable or do not agree on the potential impact of this missense change (SIFT: "Tolerated"; PolyPhen-2: "Probably Damaging"; Align-GVGD: "Class C0"). This variant has not been reported in the literature in individuals affected with PALB2-related conditions. This variant is not present in population databases (gnomAD no frequency). This sequence change replaces histidine, which is basic and polar, with glutamine, which is neutral and polar, at codon 1061 of the PALB2 protein (p.His1061Gln).

NM_024675.4(PALB2):c.3183C>A (p.His1061Gln)

Gene: PALB2 (partner and localizer of BRCA2; minus strand). Cytogenetic location: 16p12.2.
Variant type: single nucleotide variant.
Coding change: c.3183C>A on transcript NM_024675.4 (MANE Select); coding-DNA position 3183, C replaced by A.
Protein change: p.His1061Gln; replaces histidine 1061 with glutamine.
Molecular consequence: missense variant.
Genome position (GRCh38, 1-based): chr16:23,614,022, G>T on the plus strand (C>A on the coding strand, the complement: PALB2 is on the minus strand). VCF-style: chr16-23614022-G-T. GRCh37 (hg19) VCF-style: chr16-23625343-G-T.
Other names: c.3123C>A, p.His1041Gln (NM_001407296.1); c.3111C>A, p.His1037Gln (NM_001407297.1); c.3021C>A, p.His1007Gln (NM_001407298.1, NM_001407302.1); c.2904C>A, p.His968Gln (NM_001407300.1); c.3183C>A, p.His1061Gln (NM_001407301.1); c.2298C>A, p.His766Gln (NM_001407304.1, NM_001407305.1, NM_001407306.1 and 2 more transcripts); c.2136C>A, p.His712Gln (NM_001407307.1); c.1395C>A, p.His465Gln (NM_001407312.1, NM_001407313.1); and 1 more; short protein forms H1037Q, H465Q, H712Q, H968Q, H1061Q, H1007Q, H1041Q, H766Q.
Identifiers: ClinVar variation 1986074 (VCV001986074.4), dbSNP rs1966634454, ClinGen allele CA395141165.